The following is an entry in ClinVar:

NM_001927.4(DES):c.211G>T (p.Ala71Ser)

Gene: DES (desmin; plus strand). Cytogenetic location: 2q35.
Variant type: single nucleotide variant.
Coding change: c.211G>T on transcript NM_001927.4 (MANE Select); coding-DNA position 211, G replaced by T.
Protein change: p.Ala71Ser; replaces alanine 71 with serine.
Molecular consequence: missense variant.
Genome position (GRCh38, 1-based): chr2:219,418,673, G>T. VCF-style: chr2-219418673-G-T. GRCh37 (hg19) VCF-style: chr2-220283395-G-T.
Other names: c.211G>T, p.Ala71Ser (NM_001382708.1, NM_001382709.1, NM_001382710.1 and 3 more transcripts); short protein forms A71S.
Identifiers: ClinVar variation 2128093 (VCV002128093.4), dbSNP rs1474898050, ClinGen allele CA350683936.

ClinVar aggregate classification (germline): Uncertain significance (1 of 4 stars; one submission).

Conditions:
Desmin-related myofibrillar myopathy (MFM1). Also called: Desminopathy; MYOFIBRILLAR MYOPATHY WITH ARRHYTHMOGENIC RIGHT VENTRICULAR CARDIOMYOPATHY; DESMIN-RELATED MYOPATHY WITH ARRHYTHMOGENIC RIGHT VENTRICULAR CARDIOMYOPATHY; Desmin related myopathy (former name); Desmin storage myopathy (former name); Myofibrillar myopathy 1. Identifiers: Orphanet 363543, Orphanet 98909, MedGen C1832370, MONDO:0011076, OMIM 601419.

Submission:

Labcorp Genetics (formerly Invitae), Labcorp
Classification: Uncertain significance for Desmin-related myofibrillar myopathy. Last evaluated: 2022-05-01. Review status: criteria provided, single submitter. Criteria: Invitae Variant Classification Sherloc (09022015). Collection method: clinical testing. Allele origin: germline.
Comment: This variant is not present in population databases (gnomAD no frequency). This sequence change replaces alanine, which is neutral and non-polar, with serine, which is neutral and polar, at codon 71 of the DES protein (p.Ala71Ser). In summary, the available evidence is currently insufficient to determine the role of this variant in disease. Therefore, it has been classified as a Variant of Uncertain Significance. Algorithms developed to predict the effect of missense changes on protein structure and function output the following: SIFT: "Tolerated"; PolyPhen-2: "Possibly Damaging"; Align-GVGD: "Class C0". The serine amino acid residue is found in multiple mammalian species, which suggests that this missense change does not adversely affect protein function. This variant has not been reported in the literature in individuals affected with DES-related conditions.